The following is an entry in ClinVar:

NM_001035.3(RYR2):c.12900C>T (p.Ser4300=)

Genes: RYR2 (ryanodine receptor 2; plus strand), LOC126806068 (BRD4-independent group 4 enhancer GRCh37_chr1:237947411-237948610; plus strand). Cytogenetic location: 1q43.
Variant type: single nucleotide variant.
Coding change: c.12900C>T on transcript NM_001035.3 (MANE Select); coding-DNA position 12900, C replaced by T.
Protein change: p.Ser4300=; no amino-acid change (serine 4300 retained).
Molecular consequence: synonymous variant.
Genome position (GRCh38, 1-based): chr1:237,784,612, C>T. VCF-style: chr1-237784612-C-T. GRCh37 (hg19) VCF-style: chr1-237947912-C-T.
Identifiers: ClinVar variation 3071639 (VCV003071639.2), dbSNP rs2527794825, ClinGen allele CA424032436.

ClinVar aggregate classification (germline): Conflicting classifications of pathogenicity. Review status: criteria provided, conflicting classifications (1 of 4 stars). 2 submissions from 2 submitters: Uncertain significance (1); Likely benign (1). Last evaluated 2025-04-22.

Conditions:
Catecholaminergic polymorphic ventricular tachycardia (CVPT). Also called: Catecholamine-induced polymorphic ventricular tachycardia. Identifiers: Orphanet 3286, MedGen C5574922, MONDO:0017990.
Catecholaminergic polymorphic ventricular tachycardia 1. Also called: VENTRICULAR TACHYCARDIA, CATECHOLAMINERGIC POLYMORPHIC, 1, WITH OR WITHOUT ATRIAL DYSFUNCTION AND/OR DILATED CARDIOMYOPATHY; RYR2-Related Catecholaminergic Polymorphic Ventricular Tachycardia; VENTRICULAR TACHYCARDIA, STRESS-INDUCED POLYMORPHIC 1. Identifiers: Orphanet 3286, MedGen C1631597, MONDO:0011484, OMIM 604772.

Allele frequency attached by ClinVar (database versions not stated): gnomAD exomes below 0.00001.
gnomAD v4.1: 1 of 1,613,874 alleles (0.000062%); highest among the groups gnomAD compares: Non-Finnish European, 0.000085%; no homozygotes.

Submissions (2):

Labcorp Genetics (formerly Invitae), Labcorp
Classification: Likely benign for Catecholaminergic polymorphic ventricular tachycardia 1. Last evaluated: 2025-04-22. Review status: criteria provided, single submitter. Criteria: Invitae Variant Classification Sherloc (09022015). Collection method: clinical testing. Allele origin: germline.

All of Us Research Program, National Institutes of Health
Classification: Uncertain significance for Catecholaminergic polymorphic ventricular tachycardia. Last evaluated: 2023-10-27. Review status: criteria provided, single submitter. Criteria: ACMG Guidelines, 2015. Collection method: clinical testing. Allele origin: germline. Inheritance: Autosomal dominant inheritance. Observed: 2 variant alleles, 2 heterozygotes.
Comment: This variant is located in the RYR2 protein. To our knowledge, functional studies have not been reported for this variant. This variant has not been reported in individuals affected with RYR2-related disorders in the literature. This variant has not been identified in the general population by the Genome Aggregation Database (gnomAD). The available evidence is insufficient to determine the role of this variant in disease conclusively. Therefore, this variant is classified as a Variant of Uncertain Significance.

This study involves interpretation of variants in research participants for the purpose of population health screening. Participant phenotype was not available at the time of variant classification. Additional details can be found in publication PMID: 35346344, PMCID: PMC8962531